The following is an entry in ClinVar:

ClinVar aggregate classification (germline): Uncertain significance. Review status: criteria provided, single submitter (1 of 4 stars). 2 submissions from 2 submitters: Uncertain significance (1). 1 of the submissions does not count toward it. Last evaluated 2022-02-10.

Conditions:
Neonatal encephalomyopathy-cardiomyopathy-respiratory distress syndrome. Also called: Coenzyme Q10 deficiency, primary, 7. Identifiers: Orphanet 457185, MedGen C5568562, MONDO:0014562, OMIM 616276.
COQ4-related disorder. Also called: COQ4-related condition.

Allele frequency attached by ClinVar (database versions not stated): gnomAD exomes 0.00001 and 0.00005; ExAC 0.00003; gnomAD 0.00007; TOPMed 0.00010.
gnomAD v4.1: 30 of 1,613,360 alleles (0.0019%); highest among the groups gnomAD compares: East Asian, 0.02%; no homozygotes.

Submissions (2):

Labcorp Genetics (formerly Invitae), Labcorp
Classification: Uncertain significance for Neonatal encephalomyopathy-cardiomyopathy-respiratory distress syndrome. Last evaluated: 2022-02-10. Review status: criteria provided, single submitter. Criteria: Invitae Variant Classification Sherloc (09022015). Collection method: clinical testing. Allele origin: germline.
Comment: This variant has not been reported in the literature in individuals affected with COQ4-related conditions. ClinVar contains an entry for this variant (Variation ID: 568408). Algorithms developed to predict the effect of sequence changes on RNA splicing suggest that this variant may disrupt the consensus splice site. In summary, the available evidence is currently insufficient to determine the role of this variant in disease. Therefore, it has been classified as a Variant of Uncertain Significance. This variant is present in population databases (rs778542323, gnomAD 0.06%). This sequence change affects codon 134 of the COQ4 mRNA. It is a 'silent' change, meaning that it does not change the encoded amino acid sequence of the COQ4 protein. It affects a nucleotide within the consensus splice site.

PreventionGenetics, part of Exact Sciences
Classification: Likely benign for COQ4-related condition. Last evaluated: 2019-02-20. Review status: no assertion criteria provided. Collection method: clinical testing. Allele origin: germline. Not counted in ClinVar's aggregate classification.
Comment: This variant is classified as likely benign based on ACMG/AMP sequence variant interpretation guidelines (Richards et al. 2015 PMID: 25741868, with internal and published modifications).

NM_016035.5(COQ4):c.402C>T (p.Asn134=)

Gene: COQ4 (coenzyme Q4; plus strand). Cytogenetic location: 9q34.11.
Variant type: single nucleotide variant.
Coding change: c.402C>T on transcript NM_016035.5 (MANE Select); coding-DNA position 402, C replaced by T.
Protein change: p.Asn134=; no amino-acid change (asparagine 134 retained).
Molecular consequence: synonymous variant. On other transcripts: 3 prime UTR variant (1).
Genome position (GRCh38, 1-based): chr9:128,325,881, C>T. VCF-style: chr9-128325881-C-T. GRCh37 (hg19) VCF-style: chr9-131088160-C-T.
Other names: c.*2C>T (NM_001305942.2).
Identifiers: ClinVar variation 568408 (VCV000568408.8), dbSNP rs778542323, ClinGen allele CA5260543.